The following is an entry in ClinVar:

NM_001376.5(DYNC1H1):c.50A>G (p.Glu17Gly)

Gene: DYNC1H1 (dynein cytoplasmic 1 heavy chain 1; plus strand). Cytogenetic location: 14q32.31.
Variant type: single nucleotide variant.
Coding change: c.50A>G on transcript NM_001376.5 (MANE Select); coding-DNA position 50, A replaced by G.
Protein change: p.Glu17Gly; replaces glutamic acid 17 with glycine.
Molecular consequence: missense variant.
Genome position (GRCh38, 1-based): chr14:101,964,741, A>G. VCF-style: chr14-101964741-A-G. GRCh37 (hg19) VCF-style: chr14-102431078-A-G.
Other names: short protein forms E17G.
Identifiers: ClinVar variation 2787487 (VCV002787487.3), dbSNP rs1313218511, ClinGen allele CA391003056.

ClinVar aggregate classification (germline): Uncertain significance (1 of 4 stars; one submission).

Conditions:
Charcot-Marie-Tooth disease axonal type 2O. Also called: CHARCOT-MARIE-TOOTH NEUROPATHY, AXONAL, TYPE 2O; CHARCOT-MARIE-TOOTH DISEASE, AXONAL, AUTOSOMAL DOMINANT, TYPE 2O; Charcot-Marie-Tooth Neuropathy Type 2O; Charcot-Marie-Tooth disease, axonal, type 20. Identifiers: Orphanet 284232, MedGen C3280220, MONDO:0013644, OMIM 614228.

Submission:

Labcorp Genetics (formerly Invitae), Labcorp
Classification: Uncertain significance for Charcot-Marie-Tooth disease axonal type 2O. Last evaluated: 2023-11-29. Review status: criteria provided, single submitter. Criteria: Invitae Variant Classification Sherloc (09022015). Collection method: clinical testing. Allele origin: germline.
Comment: This sequence change replaces glutamic acid, which is acidic and polar, with glycine, which is neutral and non-polar, at codon 17 of the DYNC1H1 protein (p.Glu17Gly). This variant is not present in population databases (gnomAD no frequency). This variant has not been reported in the literature in individuals affected with DYNC1H1-related conditions. Advanced modeling of protein sequence and biophysical properties (such as structural, functional, and spatial information, amino acid conservation, physicochemical variation, residue mobility, and thermodynamic stability) performed at Invitae indicates that this missense variant is not expected to disrupt DYNC1H1 protein function with a negative predictive value of 95%. In summary, the available evidence is currently insufficient to determine the role of this variant in disease. Therefore, it has been classified as a Variant of Uncertain Significance.